The following is an entry in ClinVar:

ClinVar aggregate classification (germline): Uncertain significance. Review status: criteria provided, multiple submitters, no conflicts (2 of 4 stars). 4 submissions from 4 submitters: Uncertain significance (4). Last evaluated 2024-08-29.

Submissions (4):

Labcorp Genetics (formerly Invitae), Labcorp
Classification: Uncertain significance. Last evaluated: 2024-08-29. Review status: criteria provided, single submitter. Criteria: Invitae Variant Classification Sherloc (09022015). Collection method: clinical testing. Allele origin: germline.
Comment: This sequence change creates a premature translational stop signal (p.Glu340Glyfs*7) in the DTNBP1 gene. While this is not anticipated to result in nonsense mediated decay, it is expected to disrupt the last 12 amino acid(s) of the DTNBP1 protein. This variant is present in population databases (rs752074481, gnomAD 0.1%). This variant has not been reported in the literature in individuals affected with DTNBP1-related conditions. ClinVar contains an entry for this variant (Variation ID: 434965). Experimental studies and prediction algorithms are not available or were not evaluated, and the functional significance of this variant is currently unknown. In summary, the available evidence is currently insufficient to determine the role of this variant in disease. Therefore, it has been classified as a Variant of Uncertain Significance.

Women's Health and Genetics/Laboratory Corporation of America, LabCorp
Classification: Uncertain significance. Last evaluated: 2023-12-21. Review status: criteria provided, single submitter. Criteria: LabCorp Variant Classification Summary - May 2015. Collection method: clinical testing. Allele origin: germline.
Comment: Variant summary: DTNBP1 c.1019_1020delAG (p.Glu340GlyfsX7) results in a premature termination codon, predicted to cause a truncation in the last exon affecting the last 12 amino acids of the encoded protein sequence, however, nonsense mediated decay is not expected to occur. The variant allele was found at a frequency of 0.00012 in 251488 control chromosomes. This frequency is not significantly higher than estimated for a pathogenic variant in DTNBP1 causing Hermansky-Pudlak Syndrome (0.00012 vs 0.00016), allowing no conclusion about variant significance. To our knowledge, no occurrence of c.1019_1020delAG in individuals affected with Hermansky-Pudlak Syndrome and no experimental evidence demonstrating its impact on protein function have been reported. Three submitters have cited clinical-significance assessments for this variant to ClinVar after 2014. All submitters classified the variant as uncertain significance. Based on the evidence outlined above, the variant was classified as uncertain significance.

Genetic Services Laboratory, University of Chicago
Classification: Uncertain significance. Last evaluated: 2016-12-14. Review status: criteria provided, single submitter. Criteria: ACMG Guidelines, 2015. Collection method: clinical testing. Allele origin: germline. Affected: no.

Breakthrough Genomics
Classification: Uncertain significance. Review status: criteria provided, single submitter. Criteria: ACMG Guidelines, 2015. Collection method: not provided. Allele origin: germline. Inheritance: Autosomal recessive inheritance. Affected: yes.

NM_032122.5(DTNBP1):c.1019_1020del (p.Glu340fs)

Gene: DTNBP1 (dystrobrevin binding protein 1; minus strand). Cytogenetic location: 6p22.3.
Variant type: Microsatellite.
Coding change: c.1019_1020del on transcript NM_032122.5 (MANE Select); coding-DNA positions 1019 to 1020, 2 bases deleted (AG; older notation c.1019_1020delAG).
Protein change: p.Glu340fs; shifts the reading frame from glutamic acid 340.
Molecular consequence: frameshift variant.
Genome position (GRCh38, 1-based): chr6:15,523,011-15,523,012, CT deleted on the plus strand (AG on the coding strand, the reverse complement: DTNBP1 is on the minus strand); deleting any 2 consecutive bases within chr6:15,523,011-15,523,016 gives the same sequence; the c. name uses the placement nearest the transcript's 3' end. VCF-style (leftmost placement, unchanged base first): chr6-15523010-CCT-C. GRCh37 (hg19) VCF-style: chr6-15523241-CCT-C.
Other names: c.776_777del, p.Glu259fs (NM_001271667.2); c.968_969del, p.Glu323fs (NM_001271668.2); c.914_915del, p.Glu305fs (NM_001271669.2); c.1019_1020delAG (NM_032122.5); short protein forms E305fs, E323fs, E340fs, E259fs.
Identifiers: ClinVar variation 434965 (VCV000434965.18), dbSNP rs752074481, ClinGen allele CA3643653.
Genomic context (GRCh38, chr6:15,523,010, plus strand): 5'-GGCCAGACAACGCCCATGTCCCAATTTAAGAGTCGCTGTCCTCACCACCATCCGGAGTGG[CCT>C]CTCTGTCAGTGTGTGATGTGGCCAGGGCAGTGTCCACCTGAACTTCCTCCTCATCGGACT-3'